The following is an entry in ClinVar:

ClinVar aggregate classification (germline): Uncertain significance (1 of 4 stars; one submission).

Conditions:
RASopathy. Also called: rasopathies; Noonan spectrum disorder. Identifiers: Orphanet 536391, MedGen C5555857, MONDO:0021060.

gnomAD v4.1: 1 of 1,571,232 alleles (0.000064%); highest among the groups gnomAD compares: Non-Finnish European, 0.000086%; no homozygotes.

Submission:

Labcorp Genetics (formerly Invitae), Labcorp
Classification: Uncertain significance for RASopathy. Last evaluated: 2025-05-15. Review status: criteria provided, single submitter. Criteria: Invitae Variant Classification Sherloc (09022015). Collection method: clinical testing. Allele origin: germline.
Comment: This sequence change replaces leucine, which is neutral and non-polar, with proline, which is neutral and non-polar, at codon 25 of the CBL protein (p.Leu25Pro). This variant is not present in population databases (gnomAD no frequency). This variant has not been reported in the literature in individuals affected with CBL-related conditions. Invitae Evidence Modeling of protein sequence and biophysical properties (such as structural, functional, and spatial information, amino acid conservation, physicochemical variation, residue mobility, and thermodynamic stability) indicates that this missense variant is not expected to disrupt CBL protein function with a negative predictive value of 95%. In summary, the available evidence is currently insufficient to determine the role of this variant in disease. Therefore, it has been classified as a Variant of Uncertain Significance.

NM_005188.4(CBL):c.74T>C (p.Leu25Pro)

Genes: CBL (Cbl proto-oncogene; plus strand), LOC130006895 (ATAC-STARR-seq lymphoblastoid silent region 3975; plus strand). Cytogenetic location: 11q23.3.
Variant type: single nucleotide variant.
Coding change: c.74T>C on transcript NM_005188.4 (MANE Select); coding-DNA position 74, T replaced by C.
Protein change: p.Leu25Pro; replaces leucine 25 with proline.
Molecular consequence: missense variant.
Genome position (GRCh38, 1-based): chr11:119,206,491, T>C. VCF-style: chr11-119206491-T-C. GRCh37 (hg19) VCF-style: chr11-119077201-T-C.
Other names: short protein forms L25P.
Identifiers: ClinVar variation 4800595 (VCV004800595.1).